The following is an entry in ClinVar:

ClinVar aggregate classification (germline): Likely benign (1 of 4 stars; one submission).

Allele frequency attached by ClinVar (database versions not stated): TOPMed below 0.00001.
gnomAD v4.1: 1 of 1,613,924 alleles (0.000062%); no homozygotes.

Submission:

GeneDx
Classification: Likely benign. Last evaluated: 2017-06-28. Review status: criteria provided, single submitter. Criteria: GeneDx Variant Classification (06012015). Collection method: clinical testing. Allele origin: germline. Affected: yes.
Comment: This variant is considered likely benign or benign based on one or more of the following criteria: it is a conservative change, it occurs at a poorly conserved position in the protein, it is predicted to be benign by multiple in silico algorithms, and/or has population frequency not consistent with disease.

NM_007255.3(B4GALT7):c.555G>C (p.Val185=)

Gene: B4GALT7 (beta-1,4-galactosyltransferase 7; plus strand). Cytogenetic location: 5q35.3.
Variant type: single nucleotide variant.
Coding change: c.555G>C on transcript NM_007255.3 (MANE Select); coding-DNA position 555, G replaced by C.
Protein change: p.Val185=; no amino-acid change (valine 185 retained).
Molecular consequence: synonymous variant.
Genome position (GRCh38, 1-based): chr5:177,607,443, G>C. VCF-style: chr5-177607443-G-C. GRCh37 (hg19) VCF-style: chr5-177034444-G-C.
Identifiers: ClinVar variation 510456 (VCV000510456.1), dbSNP rs1554126778, ClinGen allele CA447993926.